The following is an entry in ClinVar:

ClinVar aggregate classification (germline): Uncertain significance (1 of 4 stars; one submission).

Conditions:
EGFR-related lung cancer (EGFR). Identifiers: MedGen CN130014.

Submission:

Labcorp Genetics (formerly Invitae), Labcorp
Classification: Uncertain significance for EGFR-related lung cancer. Last evaluated: 2021-09-25. Review status: criteria provided, single submitter. Criteria: Invitae Variant Classification Sherloc (09022015). Collection method: clinical testing. Allele origin: germline.
Comment: In summary, the available evidence is currently insufficient to determine the role of this variant in disease. Therefore, it has been classified as a Variant of Uncertain Significance. Algorithms developed to predict the effect of missense changes on protein structure and function are either unavailable or do not agree on the potential impact of this missense change (SIFT: "Deleterious"; PolyPhen-2: "Probably Damaging"; Align-GVGD: "Class C0"). This variant has not been reported in the literature in individuals affected with EGFR-related conditions. This variant is not present in population databases (ExAC no frequency). This sequence change replaces methionine with leucine at codon 825 of the EGFR protein (p.Met825Leu). The methionine residue is highly conserved and there is a small physicochemical difference between methionine and leucine.

NM_005228.5(EGFR):c.2473A>C (p.Met825Leu)

Gene: EGFR (epidermal growth factor receptor; plus strand). Cytogenetic location: 7p11.2.
Variant type: single nucleotide variant.
Coding change: c.2473A>C on transcript NM_005228.5 (MANE Select); coding-DNA position 2473, A replaced by C.
Protein change: p.Met825Leu; replaces methionine 825 with leucine.
Molecular consequence: missense variant.
Genome position (GRCh38, 1-based): chr7:55,191,722, A>C. VCF-style: chr7-55191722-A-C. GRCh37 (hg19) VCF-style: chr7-55259415-A-C.
Other names: c.2338A>C, p.Met780Leu (NM_001346897.2, NM_001346899.2); c.2473A>C, p.Met825Leu (NM_001346898.2); c.2314A>C, p.Met772Leu (NM_001346900.2); c.1672A>C, p.Met558Leu (NM_001346941.2); short protein forms M780L, M825L, M772L, M558L.
Identifiers: ClinVar variation 1446347 (VCV001446347.6), dbSNP rs2128964354, ClinGen allele CA367580065.